The following is an entry in ClinVar:

ClinVar aggregate classification (germline): Uncertain significance (1 of 4 stars; one submission).

Submission:

Ambry Genetics
Classification: Uncertain significance. Last evaluated: 2026-03-23. Review status: criteria provided, single submitter. Criteria: Ambry Variant Classification Scheme 2023. Collection method: clinical testing. Allele origin: germline.
Comment: The p.G1286S variant (also known as c.3856G>A), located in coding exon 16 of the WNK2 gene, results from a G to A substitution at nucleotide position 3856. The glycine at codon 1286 is replaced by serine, an amino acid with similar properties. This amino acid position is conserved. In addition, this alteration is predicted to be tolerated by in silico analysis. Based on the available evidence, the clinical significance of this variant remains unclear.

NM_006648.4(WNK2):c.3856G>A (p.Gly1286Ser)

Gene: WNK2 (WNK lysine deficient protein kinase 2; plus strand). Cytogenetic location: 9q22.31.
Variant type: single nucleotide variant.
Coding change: c.3856G>A on transcript NM_006648.4 (MANE Select); coding-DNA position 3856, G replaced by A.
Protein change: p.Gly1286Ser; replaces glycine 1286 with serine.
Molecular consequence: missense variant.
Genome position (GRCh38, 1-based): chr9:93,267,905, G>A. VCF-style: chr9-93267905-G-A. GRCh37 (hg19) VCF-style: chr9-96030187-G-A.
Other names: c.3856G>A, p.Gly1286Ser (NM_001282394.3); short protein forms G1286S.
Identifiers: ClinVar variation 4866538 (VCV004866538.1).
Genomic context (GRCh38, chr9:93,267,905, plus strand): 5'-GACGCCGACCGTGGCTCCGACCCAGGGACCAGCCCGCCACACCTCAGCACCTGCGGCCTG[G>A]GCACCGGGGAGGTGAGGTTGTGAAATCCGGGGTGGGAGGTGGTGAGAGTGCAGTGGCTGG-3'
Protein context (NP_006639.3, residues 1276-1296): SPPHLSTCGL[Gly1286Ser]TGEESRQSQA